The following is an entry in ClinVar:

ClinVar aggregate classification (germline): Benign. Review status: criteria provided, multiple submitters, no conflicts (2 of 4 stars). 11 submissions from 11 submitters: Benign (7). 4 of the submissions do not count toward it. Last evaluated 2026-01-31.

Conditions:
PRDM16-related disorder. Also called: PRDM16-related condition.
Left ventricular noncompaction 8 (LVNC8). Identifiers: Orphanet 154, Orphanet 54260, MedGen C3809288, MONDO:0014152, OMIM 615373.

Allele frequency attached by ClinVar (database versions not stated): ESP Exome Variant Server 0.00057; gnomAD exomes 0.00408 and 0.01640; gnomAD 0.00634 and 0.00676; TOPMed 0.01139; ExAC 0.01362; 1000 Genomes Project 0.01797; 1000 Genomes Project 30x 0.01999.
gnomAD v4.1: 7,010 of 1,613,104 alleles (0.43%); highest among the groups gnomAD compares: Admixed American, 8.2%; 306 homozygotes.

Submissions (11):

Labcorp Genetics (formerly Invitae), Labcorp
Classification: Benign for Left ventricular noncompaction 8. Last evaluated: 2026-01-31. Review status: criteria provided, single submitter. Criteria: Invitae Variant Classification Sherloc (09022015). Collection method: clinical testing. Allele origin: germline.

Women's Health and Genetics/Laboratory Corporation of America, LabCorp
Classification: Benign. Last evaluated: 2023-05-28. Review status: criteria provided, single submitter. Criteria: LabCorp Variant Classification Summary - May 2015. Collection method: clinical testing. Allele origin: germline.

Mayo Clinic Laboratories, Mayo Clinic
Classification: Benign. Last evaluated: 2023-02-10. Review status: criteria provided, single submitter. Criteria: ACMG Guidelines, 2015. Collection method: clinical testing. Allele origin: germline. Observed: 12 variant alleles.

Fulgent Genetics
Classification: Benign for Left ventricular noncompaction 8. Last evaluated: 2021-09-09. Review status: criteria provided, single submitter. Criteria: ACMG Guidelines, 2015. Collection method: clinical testing. Allele origin: unknown.

GeneDx
Classification: Benign. Last evaluated: 2016-10-11. Review status: criteria provided, single submitter. Criteria: GeneDx Variant Classification (06012015). Collection method: clinical testing. Allele origin: germline. Affected: yes.
Comment: This variant is considered likely benign or benign based on one or more of the following criteria: it is a conservative change, it occurs at a poorly conserved position in the protein, it is predicted to be benign by multiple in silico algorithms, and/or has population frequency not consistent with disease.

Laboratory for Molecular Medicine, Mass General Brigham Personalized Medicine
Classification: Benign. Last evaluated: 2014-11-24. Review status: criteria provided, single submitter. Criteria: LMM Criteria. Collection method: clinical testing. Allele origin: germline. Observed: 10 variant alleles.
Comment: Pro891Pro in exon 10 of PRDM16: This variant is not expected to have clinical si gnificance because it does not alter an amino acid residue and is not located wi thin the splice consensus sequence. It has been identified in 12.9% (17/132) of Mexican chromosomes from a broad population by the 1000 Genomes Project (dbSNP rs3819970).

Breakthrough Genomics
Classification: Benign. Review status: criteria provided, single submitter. Criteria: ACMG Guidelines, 2015. Collection method: not provided. Allele origin: germline. Inheritance: Autosomal dominant inheritance. Affected: yes.

PreventionGenetics, part of Exact Sciences
Classification: Benign for PRDM16-related condition. Last evaluated: 2019-07-10. Review status: no assertion criteria provided. Collection method: clinical testing. Allele origin: germline. Not counted in ClinVar's aggregate classification.
Comment: This variant is classified as benign based on ACMG/AMP sequence variant interpretation guidelines (Richards et al. 2015 PMID: 25741868, with internal and published modifications).

Clinical Genetics DNA and cytogenetics Diagnostics Lab, Erasmus MC, Erasmus Medical Center
Classification: Benign. Review status: no assertion criteria provided. Collection method: clinical testing. Allele origin: germline. Affected: yes. Study: VKGL Data-share Consensus. Not counted in ClinVar's aggregate classification.

Clinical Genetics, Academic Medical Center
Classification: Benign. Review status: no assertion criteria provided. Collection method: clinical testing. Allele origin: germline. Affected: yes. Study: VKGL Data-share Consensus. Not counted in ClinVar's aggregate classification.

Joint Genome Diagnostic Labs from Nijmegen and Maastricht, Radboudumc and MUMC+
Classification: Benign. Review status: no assertion criteria provided. Collection method: clinical testing. Allele origin: germline. Affected: yes. Study: VKGL Data-share Consensus. Not counted in ClinVar's aggregate classification.

NM_022114.4(PRDM16):c.2673G>A (p.Pro891=)

Gene: PRDM16 (PR/SET domain 16; plus strand). Cytogenetic location: 1p36.32.
Variant type: single nucleotide variant.
Coding change: c.2673G>A on transcript NM_022114.4 (MANE Select); coding-DNA position 2673, G replaced by A.
Protein change: p.Pro891=; no amino-acid change (proline 891 retained).
Molecular consequence: synonymous variant.
Genome position (GRCh38, 1-based): chr1:3,414,629, G>A. VCF-style: chr1-3414629-G-A. GRCh37 (hg19) VCF-style: chr1-3331193-G-A.
Other names: p.Pro891=; c.2673G>A, p.Pro891= (NM_199454.3).
Identifiers: ClinVar variation 227031 (VCV000227031.25), dbSNP rs3819970, ClinGen allele CA544562.